The following is an entry in ClinVar:

ClinVar aggregate classification (germline): Uncertain significance (1 of 4 stars; one submission).

gnomAD v4.1: 5 of 1,611,896 alleles (0.00031%); highest among the groups gnomAD compares: East Asian, 0.0067%; no homozygotes.

Submission:

Labcorp Genetics (formerly Invitae), Labcorp
Classification: Uncertain significance. Last evaluated: 2025-11-12. Review status: criteria provided, single submitter. Criteria: Invitae Variant Classification Sherloc (09022015). Collection method: clinical testing. Allele origin: germline.
Comment: This sequence change falls in intron 13 of the EPHB4 gene. It does not directly change the encoded amino acid sequence of the EPHB4 protein. It affects a nucleotide within the consensus splice site. This variant is present in population databases (rs754293421, gnomAD 0.006%). This variant has not been reported in the literature in individuals affected with EPHB4-related conditions. Variants that disrupt the consensus splice site are a relatively common cause of aberrant splicing (PMID: 17576681, 9536098). Algorithms developed to predict the effect of sequence changes on RNA splicing suggest that this variant is not likely to affect RNA splicing. In summary, the available evidence is currently insufficient to determine the role of this variant in disease. Therefore, it has been classified as a Variant of Uncertain Significance.

Literature cited by the submitters: PubMed 17576681; PubMed 9536098.

NM_004444.5(EPHB4):c.2335-3C>T

Genes: EPHB4 (EPH receptor B4; minus strand), LOC126860124 (CDK7 strongly-dependent group 2 enhancer GRCh37_chr7:100403701-100404900; plus strand). Cytogenetic location: 7q22.1.
Variant type: single nucleotide variant.
Coding change: c.2335-3C>T on transcript NM_004444.5 (MANE Select); 3 bases into the intron before coding-DNA position 2335, C replaced by T.
Molecular consequence: intron variant.
Genome position (GRCh38, 1-based): chr7:100,806,572, G>A on the plus strand (C>T on the coding strand, the complement: EPHB4 is on the minus strand). VCF-style: chr7-100806572-G-A. GRCh37 (hg19) VCF-style: chr7-100404194-G-A.
Identifiers: ClinVar variation 4778944 (VCV004778944.1).